The following is an entry in ClinVar:

ClinVar aggregate classification (germline): Pathogenic/Likely pathogenic. Review status: criteria provided, multiple submitters, no conflicts (2 of 4 stars). 3 submissions from 3 submitters: Pathogenic (2); Likely pathogenic (1). Last evaluated 2021-01-07.

Conditions:
Inborn genetic diseases. Identifiers: MedGen C0950123, MeSH D030342.
Coffin-Lowry syndrome (CLS). Also called: COFFIN-LOWRY SYNDROME, MILD; Mental retardation with osteocartilaginous abnormalities. Identifiers: Orphanet 192, MedGen C0265252, MONDO:0010561, OMIM 303600.

Submissions (3):

Ambry Genetics
Classification: Likely pathogenic for Inborn genetic diseases. Last evaluated: 2021-01-07. Review status: criteria provided, single submitter. Criteria: Ambry Variant Classification Scheme 2023. Collection method: clinical testing. Allele origin: germline.
Comment: The c.632-1G>C intronic alteration results from of a G to C substitution one nucleotide before coding exon 9 of the RPS6KA3 gene. Alterations that disrupt the canonical splice site are expected to cause aberrant splicing, resulting in an abnormal protein or a transcript that is subject to nonsense-mediated mRNA decay. Based on data from the Genome Aggregation Database (gnomAD), the RPS6KA3 c.632-1G>C alteration was not observed, with coverage at this position. An alteration affecting the same nucleotide, c.632-1G>T, was reported in a patient with clinical features suggestive of Coffin-Lowry syndrome (Jacquot, 1998). The c.632-1G nucleotide is conserved in available vertebrate species. In silico splice site analysis predicts that this alteration will weaken the native splice acceptor site. Based on the available evidence, this alteration is classified as likely pathogenic.

Molecular Diagnostics Laboratory, M Health Fairview: University of Minnesota
Classification: Pathogenic for Coffin-Lowry syndrome. Last evaluated: 2016-08-03. Review status: criteria provided, single submitter. Criteria: ACMG Guidelines, 2015. Collection method: clinical testing. Allele origin: germline. Affected: yes. Observed: 1 variant allele.

Eurofins Ntd Llc (ga)
Classification: Pathogenic. Last evaluated: 2012-10-30. Review status: criteria provided, single submitter. Criteria: EGL Classification Definitions 2015. Collection method: clinical testing. Allele origin: germline. Observed: 1 variant allele, 1 hemizygote.

Literature cited by the submitters: PubMed 9837815 (cited by Molecular Diagnostics Laboratory, M Health Fairview: University of Minnesota).

NM_004586.3(RPS6KA3):c.632-1G>C

Gene: RPS6KA3 (ribosomal protein S6 kinase A3; minus strand). Cytogenetic location: Xp22.12.
Variant type: single nucleotide variant.
Coding change: c.632-1G>C on transcript NM_004586.3 (MANE Select); the canonical splice acceptor site of the intron before coding-DNA position 632, G replaced by C.
Molecular consequence: splice acceptor variant.
Genome position (GRCh38, 1-based): chrX:20,187,971, C>G on the plus strand (G>C on the coding strand, the complement: RPS6KA3 is on the minus strand). VCF-style: chrX-20187971-C-G. GRCh37 (hg19) VCF-style: chrX-20206089-C-G.
Identifiers: ClinVar variation 95150 (VCV000095150.7), dbSNP rs398124177, ClinGen allele CA222782.